The following is an entry in ClinVar:

NM_006904.7(PRKDC):c.5725A>G (p.Asn1909Asp)

Gene: PRKDC (protein kinase, DNA-activated, catalytic subunit; minus strand). Cytogenetic location: 8q11.21.
Variant type: single nucleotide variant.
Coding change: c.5725A>G on transcript NM_006904.7 (MANE Select); coding-DNA position 5725, A replaced by G.
Protein change: p.Asn1909Asp; replaces asparagine 1909 with aspartic acid.
Molecular consequence: missense variant.
Genome position (GRCh38, 1-based): chr8:47,863,424, T>C on the plus strand (A>G on the coding strand, the complement: PRKDC is on the minus strand). VCF-style: chr8-47863424-T-C. GRCh37 (hg19) VCF-style: chr8-48775985-T-C.
Other names: c.5725A>G, p.Asn1909Asp (NM_001081640.2); short protein forms N1909D.
Identifiers: ClinVar variation 1749298 (VCV001749298.2), dbSNP rs1235220853, ClinGen allele CA371162840.

ClinVar aggregate classification (germline): Uncertain significance (1 of 4 stars; one submission).

Submission:

Ambry Genetics
Classification: Uncertain significance. Last evaluated: 2022-10-15. Review status: criteria provided, single submitter. Criteria: Ambry Variant Classification Scheme 2023. Collection method: clinical testing. Allele origin: germline.
Comment: The p.N1909D variant (also known as c.5725A>G), located in coding exon 42 of the PRKDC gene, results from an A to G substitution at nucleotide position 5725. The asparagine at codon 1909 is replaced by aspartic acid, an amino acid with highly similar properties. This amino acid position is conserved. In addition, this alteration is predicted to be tolerated by in silico analysis. Since supporting evidence is limited at this time, the clinical significance of this alteration remains unclear.